The following is an entry in ClinVar:

ClinVar aggregate classification (germline): Uncertain significance (1 of 4 stars; one submission).

Conditions:
Hereditary cancer-predisposing syndrome. Also called: Hereditary neoplastic syndrome; Hereditary Cancer Syndrome; Neoplastic Syndromes, Hereditary; Tumor predisposition. Identifiers: Orphanet 140162, MedGen C0027672, MeSH D009386, MONDO:0015356.

Submission:

Color Diagnostics, LLC DBA Color Health
Classification: Uncertain significance for Hereditary cancer-predisposing syndrome. Last evaluated: 2023-04-12. Review status: criteria provided, single submitter. Criteria: ACMG Guidelines, 2015. Collection method: clinical testing. Allele origin: germline.
Comment: This variant causes a duplication of 11 nucleotides in intron 9 of the MSH6 gene. To our knowledge, functional studies have not been reported for this variant. This variant has not been reported in individuals affected with MSH6-related disorders in the literature. This variant has not been identified in the general population by the Genome Aggregation Database (gnomAD). The available evidence is insufficient to determine the role of this variant in disease conclusively. Therefore, this variant is classified as a Variant of Uncertain Significance.

NM_000179.3(MSH6):c.4001+3_4001+13dup

Gene: MSH6 (mutS homolog 6; plus strand). Cytogenetic location: 2p16.3.
Variant type: Duplication.
Coding change: c.4001+3_4001+13dup on transcript NM_000179.3 (MANE Select); bases 3 to 13 of the intron after coding-DNA position 4001, 11 bases duplicated (AACTAACTAAC).
Molecular consequence: intron variant.
Genome position (GRCh38, 1-based): chr2:47,806,654-47,806,664, AACTAACTAAC duplicated. VCF-style (leftmost placement, unchanged base first): chr2-47806653-T-TAACTAACTAAC. GRCh37 (hg19) VCF-style: chr2-48033792-T-TAACTAACTAAC.
Other names: c.4001+3_4001+13dup (NM_001406809.1, NM_001406796.1, NM_001406808.1); c.3095+3_3095+13dup (NM_001406811.1, NM_001406814.1, NM_001281493.2 and 6 more transcripts); c.3704+3_3704+13dup (NM_001406805.1, NM_001406797.1, NM_001406801.1 and 10 more transcripts); c.4097+3_4097+13dup (NM_001406795.1); c.3898-125_3898-115dup (NM_001406802.1); c.4007+3_4007+13dup (NM_001406813.1); c.3476+3_3476+13dup (NM_001406807.1, NM_001406799.1, NM_001406806.1); c.*22+3_*22+13dup (NM_001406800.1); and 9 more.
Identifiers: ClinVar variation 2773673 (VCV002773673.2), dbSNP rs2530879954, ClinGen allele CA2697548138.
Genomic context (GRCh38, chr2:47,806,653, plus strand): 5'-AAGGGACATAGAAAAGCAAGAGAATTTGAGAAGATGAATCAGTCACTACGATTATTTCGG[T>TAACTAACTAAC]AACTAACTAACTATAATGGAATTATAACTAACTGACCTTAAGTTTCAAAGAAACAGTAAA-3'